The following is an entry in ClinVar:

NM_080680.3(COL11A2):c.5074C>T (p.Gln1692Ter)

Gene: COL11A2 (collagen type XI alpha 2 chain; minus strand). Cytogenetic location: 6p21.32.
Variant type: single nucleotide variant.
Coding change: c.5074C>T on transcript NM_080680.3 (MANE Select); coding-DNA position 5074, C replaced by T.
Protein change: p.Gln1692Ter; replaces glutamine 1692 with a stop codon.
Molecular consequence: nonsense.
Genome position (GRCh38, 1-based): chr6:33,163,815, G>A on the plus strand (C>T on the coding strand, the complement: COL11A2 is on the minus strand). VCF-style: chr6-33163815-G-A. GRCh37 (hg19) VCF-style: chr6-33131592-G-A.
Other names: c.4894C>T, p.Gln1632Ter (NM_001424108.1); c.4228C>T, p.Gln1410Ter (NM_001424109.1); c.4048C>T, p.Gln1350Ter (NM_001424110.1, NM_001424111.1); c.3028C>T, p.Gln1010Ter (NM_001424112.1); c.4753C>T, p.Gln1585Ter (NM_080679.3); c.4816C>T, p.Gln1606Ter (NM_080681.3); short protein forms Q1410*, Q1692*, Q1010*, Q1606*, Q1632*, Q1350*, Q1585*.
Identifiers: ClinVar variation 3723478 (VCV003723478.2).

ClinVar aggregate classification (germline): Uncertain significance (1 of 4 stars; one submission).

Submission:

Labcorp Genetics (formerly Invitae), Labcorp
Classification: Uncertain significance. Last evaluated: 2024-12-16. Review status: criteria provided, single submitter. Criteria: Invitae Variant Classification Sherloc (09022015). Collection method: clinical testing. Allele origin: germline.
Comment: This sequence change creates a premature translational stop signal (p.Gln1692*) in the COL11A2 gene. While this is not anticipated to result in nonsense mediated decay, it is expected to disrupt the last 45 amino acid(s) of the COL11A2 protein. This variant is not present in population databases (gnomAD no frequency). This variant has not been reported in the literature in individuals affected with COL11A2-related conditions. Experimental studies and prediction algorithms are not available or were not evaluated, and the functional significance of this variant is currently unknown. In summary, the available evidence is currently insufficient to determine the role of this variant in disease. Therefore, it has been classified as a Variant of Uncertain Significance.